The following is an entry in ClinVar:

NM_004727.3(SLC24A1):c.954C>T (p.Thr318=)

Gene: SLC24A1 (solute carrier family 24 member 1; plus strand). Cytogenetic location: 15q22.31.
Variant type: single nucleotide variant.
Coding change: c.954C>T on transcript NM_004727.3 (MANE Select); coding-DNA position 954, C replaced by T.
Protein change: p.Thr318=; no amino-acid change (threonine 318 retained).
Molecular consequence: synonymous variant.
Genome position (GRCh38, 1-based): chr15:65,625,034, C>T. VCF-style: chr15-65625034-C-T. GRCh37 (hg19) VCF-style: chr15-65917372-C-T.
Other names: c.954C>T, p.Thr318= (NM_001301031.1, NM_001301032.1, NM_001301033.2); c.954C>T (NM_004727.2).
Identifiers: ClinVar variation 1112837 (VCV001112837.9), dbSNP rs181180475, ClinGen allele CA7619829.

ClinVar aggregate classification (germline): Likely benign. Review status: criteria provided, multiple submitters, no conflicts (2 of 4 stars). 3 submissions from 3 submitters: Likely benign (3). Last evaluated 2025-09-19.

Conditions:
SLC24A1-related disorder. Also called: SLC24A1-related condition.

Allele frequency attached by ClinVar (database versions not stated): ExAC 0.00006; gnomAD exomes 0.00008 and 0.00025; TOPMed 0.00062; gnomAD 0.00074; 1000 Genomes Project 0.00120; 1000 Genomes Project 30x 0.00125.
gnomAD v4.1: 227 of 1,613,628 alleles (0.014%); highest among the groups gnomAD compares: Admixed American, 0.33%; 2 homozygotes.

Submissions (3):

Labcorp Genetics (formerly Invitae), Labcorp
Classification: Likely benign. Last evaluated: 2025-09-19. Review status: criteria provided, single submitter. Criteria: Invitae Variant Classification Sherloc (09022015). Collection method: clinical testing. Allele origin: germline.

PreventionGenetics, part of Exact Sciences
Classification: Likely benign for SLC24A1-related condition. Last evaluated: 2025-09-19. Review status: criteria provided, single submitter. Criteria: ACMG Guidelines, 2015. Collection method: clinical testing. Allele origin: germline.
Comment: This variant is classified as likely benign based on ACMG/AMP sequence variant interpretation guidelines (Richards et al. 2015 PMID: 25741868, with internal and published modifications).

Blueprint Genetics
Classification: Likely benign. Last evaluated: 2023-08-11. Review status: criteria provided, single submitter. Criteria: ACMG Guidelines, 2015. Collection method: clinical testing. Allele origin: germline.